The following is an entry in ClinVar:

ClinVar aggregate classification (germline): Conflicting classifications of pathogenicity. Review status: criteria provided, conflicting classifications (1 of 4 stars). 2 submissions from 2 submitters: Uncertain significance (1); Likely benign (1). Last evaluated 2024-09-01.

Conditions:
Inborn genetic diseases. Identifiers: MedGen C0950123, MeSH D030342.
Dyskeratosis congenita, autosomal dominant 6 (DKCA6). Identifiers: Orphanet 3322, MedGen C4225284, MONDO:0014690, OMIM 616553.

Allele frequency attached by ClinVar (database versions not stated): gnomAD exomes below 0.00001; TOPMed below 0.00001; ExAC 0.00002.

Submissions (2):

Ambry Genetics
Classification: Likely benign for Inborn genetic diseases. Last evaluated: 2024-09-01. Review status: criteria provided, single submitter. Criteria: Ambry Variant Classification Scheme 2023. Collection method: clinical testing. Allele origin: germline.

Labcorp Genetics (formerly Invitae), Labcorp
Classification: Uncertain significance for Dyskeratosis congenita, autosomal dominant 6. Last evaluated: 2022-04-07. Review status: criteria provided, single submitter. Criteria: Invitae Variant Classification Sherloc (09022015). Collection method: clinical testing. Allele origin: germline.
Comment: In summary, the available evidence is currently insufficient to determine the role of this variant in disease. Therefore, it has been classified as a Variant of Uncertain Significance. Algorithms developed to predict the effect of sequence changes on RNA splicing suggest that this variant is not likely to affect RNA splicing. This variant has not been reported in the literature in individuals affected with ACD-related conditions. This variant is present in population databases (rs756845439, gnomAD 0.01%). This sequence change affects codon 519 of the ACD mRNA. It is a 'silent' change, meaning that it does not change the encoded amino acid sequence of the ACD protein. It affects a nucleotide within the consensus splice site.

NM_001082486.2(ACD):c.1299G>A (p.Arg433=)

Gene: ACD (ACD shelterin complex subunit and telomerase recruitment factor; minus strand). Cytogenetic location: 16q22.1.
Variant type: single nucleotide variant.
Coding change: c.1299G>A on transcript NM_001082486.2 (MANE Select); coding-DNA position 1299, G replaced by A.
Protein change: p.Arg433=; no amino-acid change (arginine 433 retained).
Molecular consequence: synonymous variant.
Genome position (GRCh38, 1-based): chr16:67,657,684, C>T on the plus strand (G>A on the coding strand, the complement: ACD is on the minus strand). VCF-style: chr16-67657684-C-T. GRCh37 (hg19) VCF-style: chr16-67691587-C-T.
Other names: c.1212G>A, p.Arg404= (NM_001410884.1); c.1290G>A, p.Arg430= (NM_022914.3).
Identifiers: ClinVar variation 1775178 (VCV001775178.8), dbSNP rs756845439, ClinGen allele CA8114368.